The following is an entry in ClinVar:

NM_006648.4(WNK2):c.4803C>G (p.Asp1601Glu)

Gene: WNK2 (WNK lysine deficient protein kinase 2; plus strand). Cytogenetic location: 9q22.31.
Variant type: single nucleotide variant.
Coding change: c.4803C>G on transcript NM_006648.4 (MANE Select); coding-DNA position 4803, C replaced by G.
Protein change: p.Asp1601Glu; replaces aspartic acid 1601 with glutamic acid.
Molecular consequence: missense variant.
Genome position (GRCh38, 1-based): chr9:93,289,557, C>G. VCF-style: chr9-93289557-C-G. GRCh37 (hg19) VCF-style: chr9-96051839-C-G.
Other names: c.4914C>G, p.Asp1638Glu (NM_001282394.3); short protein forms D1601E, D1638E.
Identifiers: ClinVar variation 4201721 (VCV004201721.1).

ClinVar aggregate classification (germline): Uncertain significance (1 of 4 stars; one submission).

gnomAD v4.1: 1 of 1,553,374 alleles (0.000064%); highest among the groups gnomAD compares: Non-Finnish European, 0.000087%; no homozygotes.

Submission:

Ambry Genetics
Classification: Uncertain significance. Last evaluated: 2025-08-09. Review status: criteria provided, single submitter. Criteria: Ambry Variant Classification Scheme 2023. Collection method: clinical testing. Allele origin: germline.
Comment: The p.D1601E variant (also known as c.4803C>G), located in coding exon 19 of the WNK2 gene, results from a C to G substitution at nucleotide position 4803. The aspartic acid at codon 1601 is replaced by glutamic acid, an amino acid with highly similar properties. This amino acid position is conserved. In addition, this alteration is predicted to be tolerated by in silico analysis. Based on the available evidence, the clinical significance of this variant remains unclear.